The following is an entry in ClinVar:

NM_001377.3(DYNC2H1):c.7368T>A (p.Asn2456Lys)

Gene: DYNC2H1 (dynein cytoplasmic 2 heavy chain 1; plus strand). Cytogenetic location: 11q22.3.
Variant type: single nucleotide variant.
Coding change: c.7368T>A on transcript NM_001377.3 (MANE Select); coding-DNA position 7368, T replaced by A.
Protein change: p.Asn2456Lys; replaces asparagine 2456 with lysine.
Molecular consequence: missense variant.
Genome position (GRCh38, 1-based): chr11:103,189,747, T>A. VCF-style: chr11-103189747-T-A. GRCh37 (hg19) VCF-style: chr11-103060476-T-A.
Other names: c.7368T>A, p.Asn2456Lys (NM_001080463.2); c.7368T>A (NM_001080463.1); short protein forms N2456K.
Identifiers: ClinVar variation 2428001 (VCV002428001.7), dbSNP rs1384866051, ClinGen allele CA382253854.
Genomic context (GRCh38, chr11:103,189,747, plus strand): 5'-GCAGTTACAAACGATTTATGGAGCATATTTGGAACCAGTTCTACATAAAAATCTGAAGAA[T>A]CATTCTATTTGGGGTTCTTCATCAAAAATTTATCTTTTAGCAGGATCTATGGTACAAGTG-3'
Protein context (NP_001368.2, residues 2446-2466): LEPVLHKNLK[Asn2456Lys]HSIWGSSSKI

ClinVar aggregate classification (germline): Uncertain significance. Review status: criteria provided, multiple submitters, no conflicts (2 of 4 stars). 2 submissions from 2 submitters: Uncertain significance (2). Last evaluated 2024-09-23.

Conditions:
Jeune thoracic dystrophy. Also called: Short-rib thoracic dysplasia; Jeune syndrome; Infantile thoracic dystrophy; Thoracic pelvic phalangeal dystrophy; Jeune's syndrome; Chondroectodermal dysplasia-like syndrome. Identifiers: Orphanet 474, MedGen C0265275, MONDO:0018770.

Allele frequency attached by ClinVar (database versions not stated): gnomAD exomes 0.00001.
gnomAD v4.1: 9 of 1,612,676 alleles (0.00056%); highest among the groups gnomAD compares: Non-Finnish European, 0.00068%; no homozygotes.

Submissions (2):

GeneDx
Classification: Uncertain significance. Last evaluated: 2024-09-23. Review status: criteria provided, single submitter. Criteria: GeneDx Variant Classification Process June 2021. Collection method: clinical testing. Allele origin: germline. Affected: yes.
Comment: Not observed at significant frequency in large population cohorts (gnomAD); In silico analysis indicates that this missense variant does not alter protein structure/function; Has not been previously published as pathogenic or benign to our knowledge

Labcorp Genetics (formerly Invitae), Labcorp
Classification: Uncertain significance for Jeune thoracic dystrophy. Last evaluated: 2022-03-06. Review status: criteria provided, single submitter. Criteria: Invitae Variant Classification Sherloc (09022015). Collection method: clinical testing. Allele origin: germline.
Comment: This sequence change replaces asparagine, which is neutral and polar, with lysine, which is basic and polar, at codon 2456 of the DYNC2H1 protein (p.Asn2456Lys). This variant is present in population databases (no rsID available, gnomAD 0.0009%). This variant has not been reported in the literature in individuals affected with DYNC2H1-related conditions. Advanced modeling of protein sequence and biophysical properties (such as structural, functional, and spatial information, amino acid conservation, physicochemical variation, residue mobility, and thermodynamic stability) performed at Invitae indicates that this missense variant is not expected to disrupt DYNC2H1 protein function. In summary, the available evidence is currently insufficient to determine the role of this variant in disease. Therefore, it has been classified as a Variant of Uncertain Significance.